The following is an entry in ClinVar:

NM_001271938.2(MEGF8):c.853G>A (p.Val285Met)

Gene: MEGF8 (multiple EGF like domains 8; plus strand). Cytogenetic location: 19q13.2.
Variant type: single nucleotide variant.
Coding change: c.853G>A on transcript NM_001271938.2 (MANE Select); coding-DNA position 853, G replaced by A.
Protein change: p.Val285Met; replaces valine 285 with methionine.
Molecular consequence: missense variant.
Genome position (GRCh38, 1-based): chr19:42,335,955, G>A. VCF-style: chr19-42335955-G-A. GRCh37 (hg19) VCF-style: chr19-42840107-G-A.
Other names: c.853G>A, p.Val285Met (NM_001410.3); short protein forms V285M.
Identifiers: ClinVar variation 660567 (VCV000660567.7), dbSNP rs376248434, ClinGen allele CA9474296.

ClinVar aggregate classification (germline): Uncertain significance. Review status: criteria provided, multiple submitters, no conflicts (2 of 4 stars). 2 submissions from 2 submitters: Uncertain significance (2). Last evaluated 2024-08-12.

Conditions:
Inborn genetic diseases. Identifiers: MedGen C0950123, MeSH D030342.
MEGF8-related Carpenter syndrome. Also called: Carpenter syndrome 2. Identifiers: Orphanet 65759, MedGen C3554247, MONDO:0013998, OMIM 614976.

Allele frequency attached by ClinVar (database versions not stated): TOPMed 0.00003; gnomAD 0.00004 and 0.00006; ESP Exome Variant Server 0.00009; gnomAD exomes 0.00020; ExAC 0.00085.
gnomAD v4.1: 189 of 1,492,192 alleles (0.013%); highest among the groups gnomAD compares: South Asian, 0.075%; 1 homozygote.

Submissions (2):

Ambry Genetics
Classification: Uncertain significance for Inborn genetic diseases. Last evaluated: 2024-08-12. Review status: criteria provided, single submitter. Criteria: Ambry Variant Classification Scheme 2023. Collection method: clinical testing. Allele origin: germline.

Labcorp Genetics (formerly Invitae), Labcorp
Classification: Uncertain significance for MEGF8-related Carpenter syndrome. Last evaluated: 2022-06-24. Review status: criteria provided, single submitter. Criteria: Invitae Variant Classification Sherloc (09022015). Collection method: clinical testing. Allele origin: germline.
Comment: In summary, the available evidence is currently insufficient to determine the role of this variant in disease. Therefore, it has been classified as a Variant of Uncertain Significance. Algorithms developed to predict the effect of missense changes on protein structure and function are either unavailable or do not agree on the potential impact of this missense change (SIFT: "Tolerated"; PolyPhen-2: "Possibly Damaging"; Align-GVGD: "Class C0"). ClinVar contains an entry for this variant (Variation ID: 660567). This variant has not been reported in the literature in individuals affected with MEGF8-related conditions. This variant is present in population databases (rs376248434, gnomAD 0.1%). This sequence change replaces valine, which is neutral and non-polar, with methionine, which is neutral and non-polar, at codon 285 of the MEGF8 protein (p.Val285Met).